The following is an entry in ClinVar:

ClinVar aggregate classification (germline): Pathogenic (1 of 4 stars; one submission).

Conditions:
Achondrogenesis, type IA (ACG1A). Identifiers: Orphanet 932, Orphanet 93299, MedGen C0265273, MONDO:0008701, OMIM 200600.

Submission:

Labcorp Genetics (formerly Invitae), Labcorp
Classification: Pathogenic for Achondrogenesis, type IA. Last evaluated: 2019-04-11. Review status: criteria provided, single submitter. Criteria: Invitae Variant Classification Sherloc (09022015). Collection method: clinical testing. Allele origin: germline.
Comment: This sequence change creates a premature translational stop signal (p.Gln1160Argfs*14) in the TRIP11 gene. It is expected to result in an absent or disrupted protein product. This variant is not present in population databases (ExAC no frequency). This variant has not been reported in the literature in individuals with TRIP11-related conditions. Loss-of-function variants in TRIP11 are known to be pathogenic (PMID: 20089971, 23956106). For these reasons, this variant has been classified as Pathogenic.

Literature cited by the submitters: PubMed 20089971; PubMed 23956106.

NM_004239.4(TRIP11):c.3477del (p.Gln1160fs)

Gene: TRIP11 (thyroid hormone receptor interactor 11; minus strand). Cytogenetic location: 14q32.12.
Variant type: Deletion.
Coding change: c.3477del on transcript NM_004239.4 (MANE Select); coding-DNA position 3477, one base deleted (T; older notation c.3477delT).
Protein change: p.Gln1160fs; shifts the reading frame from glutamine 1160.
Molecular consequence: frameshift variant.
Genome position (GRCh38, 1-based): chr14:92,004,499, A deleted on the plus strand (T on the coding strand, the reverse complement: TRIP11 is on the minus strand); the first of 2 consecutive A bases (chr14:92,004,499-92,004,500); deleting either gives the same sequence. VCF-style (leftmost placement, unchanged base first): chr14-92004498-GA-G. GRCh37 (hg19) VCF-style: chr14-92470842-GA-G.
Other names: c.3474del, p.Gln1159fs (NM_001321851.1); short protein forms Q1159fs, Q1160fs.
Identifiers: ClinVar variation 847890 (VCV000847890.7), dbSNP rs2056871742, ClinGen allele CA916083395.